The following is an entry in ClinVar:

NM_000051.4(ATM):c.6868G>C (p.Glu2290Gln)

Genes: ATM (ATM serine/threonine kinase; plus strand), C11orf65 (chromosome 11 open reading frame 65; minus strand). Cytogenetic location: 11q22.3.
Variant type: single nucleotide variant.
Coding change: c.6868G>C on transcript NM_000051.4 (MANE Select); coding-DNA position 6868, G replaced by C.
Protein change: p.Glu2290Gln; replaces glutamic acid 2290 with glutamine.
Molecular consequence: missense variant. On other transcripts: intron variant (2).
Genome position (GRCh38, 1-based): chr11:108,326,118, G>C. VCF-style: chr11-108326118-G-C. GRCh37 (hg19) VCF-style: chr11-108196845-G-C.
Other names: c.6868G>C, p.Glu2290Gln (NM_001351834.2); c.641-17047C>G (NM_001330368.2); c.*38+9102C>G (NM_001351110.2); short protein forms E2290Q.
Identifiers: ClinVar variation 478936 (VCV000478936.54), dbSNP rs1479339581, ClinGen allele CA382556762.
Genomic context (GRCh38, chr11:108,326,118, plus strand): 5'-CTCCCTGAAAGGGCAATATTTCAAATTAAACAGTACAATTCAGTTAGCTGTGGAGTCTCT[G>C]AGTGGCAGCTGGAAGAAGCACAAGTATTCTGGGCAAAAAAGGAGCAGAGTCTTGCCCTGA-3'
Protein context (NP_000042.3, residues 2280-2300): QYNSVSCGVS[Glu2290Gln]WQLEEAQVFW

ClinVar aggregate classification (germline): Conflicting classifications of pathogenicity. Review status: criteria provided, conflicting classifications (1 of 4 stars). 3 submissions from 3 submitters: Uncertain significance (2); Likely benign (1). Last evaluated 2025-06-02.

Conditions:
Hereditary cancer-predisposing syndrome. Also called: Neoplastic Syndromes, Hereditary; Hereditary Cancer Syndrome; Tumor predisposition; Hereditary neoplastic syndrome. Identifiers: Orphanet 140162, MedGen C0027672, MeSH D009386, MONDO:0015356.
Ataxia-telangiectasia syndrome (AT). Also called: LOUIS-BAR SYNDROME; Cerebello-oculocutaneous telangiectasia; Immunodeficiency with ataxia telangiectasia; Ataxia-telangiectasia, complementation group D; AT, COMPLEMENTATION GROUP C; Ataxia-telangiectasia, complementation group E. Identifiers: Orphanet 100, MedGen C0004135, MONDO:0008840, OMIM 208900.

Submissions (3):

Labcorp Genetics (formerly Invitae), Labcorp
Classification: Uncertain significance for Ataxia-telangiectasia syndrome. Last evaluated: 2025-06-02. Review status: criteria provided, single submitter. Criteria: Invitae Variant Classification Sherloc (09022015). Collection method: clinical testing. Allele origin: germline.
Comment: This sequence change replaces glutamic acid, which is acidic and polar, with glutamine, which is neutral and polar, at codon 2290 of the ATM protein (p.Glu2290Gln). This variant is not present in population databases (gnomAD no frequency). This variant has not been reported in the literature in individuals affected with ATM-related conditions. ClinVar contains an entry for this variant (Variation ID: 478936). Invitae Evidence Modeling of protein sequence and biophysical properties (such as structural, functional, and spatial information, amino acid conservation, physicochemical variation, residue mobility, and thermodynamic stability) indicates that this missense variant is not expected to disrupt ATM protein function with a negative predictive value of 95%. In summary, the available evidence is currently insufficient to determine the role of this variant in disease. Therefore, it has been classified as a Variant of Uncertain Significance.

Ambry Genetics
Classification: Likely benign for Hereditary cancer-predisposing syndrome. Last evaluated: 2024-04-22. Review status: criteria provided, single submitter. Criteria: Ambry Variant Classification Scheme 2023. Collection method: clinical testing. Allele origin: germline.

GeneDx
Classification: Uncertain significance. Last evaluated: 2022-08-05. Review status: criteria provided, single submitter. Criteria: GeneDx Variant Classification Process June 2021. Collection method: clinical testing. Allele origin: germline. Affected: yes.
Comment: Not observed at significant frequency in large population cohorts (gnomAD); In silico analysis supports that this missense variant does not alter protein structure/function; Has not been previously published as pathogenic or benign to our knowledge; This variant is associated with the following publications: (PMID: 23532176)